The following is an entry in ClinVar:

NM_198904.4(GABRG2):c.1102G>A (p.Asp368Asn)

Gene: GABRG2 (gamma-aminobutyric acid type A receptor subunit gamma2; plus strand). Cytogenetic location: 5q34.
Variant type: single nucleotide variant.
Coding change: c.1102G>A on transcript NM_198904.4 (MANE Select); coding-DNA position 1102, G replaced by A.
Protein change: p.Asp368Asn; replaces aspartic acid 368 with asparagine.
Molecular consequence: missense variant. On other transcripts: intron variant (1).
Genome position (GRCh38, 1-based): chr5:162,149,287, G>A. VCF-style: chr5-162149287-G-A. GRCh37 (hg19) VCF-style: chr5-161576293-G-A.
Other names: c.1102G>A, p.Asp368Asn (NM_000816.3); c.1093G>A, p.Asp365Asn (NM_001375339.1); c.1099G>A, p.Asp367Asn (NM_001375341.1, NM_001375342.1); c.1222G>A, p.Asp408Asn (NM_001375343.1, NM_198903.2); c.1141G>A, p.Asp381Asn (NM_001375344.1); c.1036G>A, p.Asp346Asn (NM_001375345.1, NM_001375346.1); c.1015G>A, p.Asp339Asn (NM_001375347.1); c.682G>A, p.Asp228Asn (NM_001375348.1, NM_001375350.1); and 2 more; short protein forms D228N, D273N, D339N, D346N, D365N, D367N, D368N, D381N.
Identifiers: ClinVar variation 3383592 (VCV003383592.1).
Genomic context (GRCh38, chr5:162,149,287, plus strand): 5'-TCTGCTCTGGTGGAGTATGGCACCTTGCATTATTTTGTCAGCAACCGGAAACCAAGCAAG[G>A]ACAAAGATAAAAAGAAGAAAAACCCTGTATGTATCATTTTCCATTGGCACCATTGAAATT-3'
Protein context (NP_944494.1, residues 358-378): YFVSNRKPSK[Asp368Asn]KDKKKKNPLL

ClinVar aggregate classification (germline): Uncertain significance (1 of 4 stars; one submission).

gnomAD v4.1: 1 of 1,613,970 alleles (0.000062%); highest among the groups gnomAD compares: South Asian, 0.0011%; no homozygotes.

Submission:

GeneDx
Classification: Uncertain significance. Last evaluated: 2024-05-23. Review status: criteria provided, single submitter. Criteria: GeneDx Variant Classification Process June 2021. Collection method: clinical testing. Allele origin: germline. Affected: yes.
Comment: Not observed at significant frequency in large population cohorts (gnomAD); In silico analysis indicates that this missense variant does not alter protein structure/function; Has not been previously published as pathogenic or benign to our knowledge